The following is an entry in ClinVar:

ClinVar aggregate classification (germline): Likely benign. Review status: criteria provided, multiple submitters, no conflicts (2 of 4 stars). 5 submissions from 5 submitters: Likely benign (5). Last evaluated 2024-10-10.

Conditions:
MAP2K2-related disorder. Also called: MAP2K2-related condition.
Cardiovascular phenotype. Identifiers: MedGen CN230736.
RASopathy. Also called: rasopathies; Noonan spectrum disorder. Identifiers: Orphanet 536391, MedGen C5555857, MONDO:0021060.

Allele frequency attached by ClinVar (database versions not stated): gnomAD exomes below 0.00001; gnomAD 0.00001; TOPMed 0.00002.
gnomAD v4.1: 8 of 1,601,882 alleles (0.0005%); highest among the groups gnomAD compares: Admixed American, 0.0051%; no homozygotes.

Submissions (5):

PreventionGenetics, part of Exact Sciences
Classification: Likely benign for MAP2K2-related condition. Last evaluated: 2024-10-10. Review status: criteria provided, single submitter. Criteria: ACMG Guidelines, 2015. Collection method: clinical testing. Allele origin: germline.
Comment: This variant is classified as likely benign based on ACMG/AMP sequence variant interpretation guidelines (Richards et al. 2015 PMID: 25741868, with internal and published modifications).

Labcorp Genetics (formerly Invitae), Labcorp
Classification: Likely benign for RASopathy. Last evaluated: 2024-06-15. Review status: criteria provided, single submitter. Criteria: Invitae Variant Classification Sherloc (09022015). Collection method: clinical testing. Allele origin: germline.

Women's Health and Genetics/Laboratory Corporation of America, LabCorp
Classification: Likely benign. Last evaluated: 2024-02-09. Review status: criteria provided, single submitter. Criteria: LabCorp Variant Classification Summary - May 2015. Collection method: clinical testing. Allele origin: germline.

GeneDx
Classification: Likely benign. Last evaluated: 2021-06-22. Review status: criteria provided, single submitter. Criteria: GeneDx Variant Classification Process June 2021. Collection method: clinical testing. Allele origin: germline. Affected: yes.
Comment: This variant is associated with the following publications: (PMID: 27535533)

Ambry Genetics
Classification: Likely benign for Cardiovascular phenotype. Last evaluated: 2019-07-26. Review status: criteria provided, single submitter. Criteria: Ambry Variant Classification Scheme 2023. Collection method: clinical testing. Allele origin: germline.

NM_030662.4(MAP2K2):c.912C>T (p.Pro304=)

Gene: MAP2K2 (mitogen-activated protein kinase kinase 2; minus strand). Cytogenetic location: 19p13.3.
Variant type: single nucleotide variant.
Coding change: c.912C>T on transcript NM_030662.4 (MANE Select); coding-DNA position 912, C replaced by T.
Protein change: p.Pro304=; no amino-acid change (proline 304 retained).
Molecular consequence: synonymous variant.
Genome position (GRCh38, 1-based): chr19:4,099,208, G>A on the plus strand (C>T on the coding strand, the complement: MAP2K2 is on the minus strand). VCF-style: chr19-4099208-G-A. GRCh37 (hg19) VCF-style: chr19-4099206-G-A.
Identifiers: ClinVar variation 1329638 (VCV001329638.13), dbSNP rs1006127521, ClinGen allele CA504986237.